The following is an entry in ClinVar:

NM_001242896.3(DEPDC5):c.4756C>T (p.Arg1586Trp)

Gene: DEPDC5 (DEP domain containing 5, GATOR1 subcomplex subunit; plus strand). Cytogenetic location: 22q12.3.
Variant type: single nucleotide variant.
Coding change: c.4756C>T on transcript NM_001242896.3 (MANE Select); coding-DNA position 4756, C replaced by T.
Protein change: p.Arg1586Trp; replaces arginine 1586 with tryptophan.
Molecular consequence: missense variant. On other transcripts: non-coding transcript variant (5).
Genome position (GRCh38, 1-based): chr22:31,906,441, C>T. VCF-style: chr22-31906441-C-T. GRCh37 (hg19) VCF-style: chr22-32302427-C-T.
Other names: c.4729C>T, p.Arg1577Trp (NM_001136029.4); c.4456C>T, p.Arg1486Trp (NM_001242897.2); c.4690C>T, p.Arg1564Trp (NM_001363852.2, NM_001364320.2); c.4522C>T, p.Arg1508Trp (NM_001363854.2, NM_001364319.2); c.4756C>T, p.Arg1586Trp (NM_001364318.2); c.4672C>T, p.Arg1558Trp (NM_001369901.1, NM_001369902.1); c.4663C>T, p.Arg1555Trp (NM_001369903.1, NM_014662.6); short protein forms R1555W, R1486W, R1508W, R1577W, R1564W, R1558W, R1586W.
Identifiers: ClinVar variation 659643 (VCV000659643.13), dbSNP rs768925194, ClinGen allele CA10197328.

ClinVar aggregate classification (germline): Uncertain significance. Review status: criteria provided, multiple submitters, no conflicts (2 of 4 stars). 2 submissions from 2 submitters: Uncertain significance (2). Last evaluated 2024-03-06.

Conditions:
Familial focal epilepsy with variable foci (FPEVF). Identifiers: Orphanet 98820, MedGen C1858477, MONDO:0020310.

Allele frequency attached by ClinVar (database versions not stated): gnomAD 0.00003; gnomAD exomes 0.00003; TOPMed 0.00003; ExAC 0.00004.
gnomAD v4.1: 26 of 1,613,924 alleles (0.0016%); highest among the groups gnomAD compares: Admixed American, 0.0033%; no homozygotes.

Submissions (2):

Labcorp Genetics (formerly Invitae), Labcorp
Classification: Uncertain significance for Familial focal epilepsy with variable foci. Last evaluated: 2024-03-06. Review status: criteria provided, single submitter. Criteria: Invitae Variant Classification Sherloc (09022015). Collection method: clinical testing. Allele origin: germline.
Comment: This sequence change replaces arginine, which is basic and polar, with tryptophan, which is neutral and slightly polar, at codon 1586 of the DEPDC5 protein (p.Arg1586Trp). This variant is present in population databases (rs768925194, gnomAD 0.006%). This missense change has been observed in individual(s) with temporal lobe epilepsy (PMID: 28170089). ClinVar contains an entry for this variant (Variation ID: 659643). Experimental studies and prediction algorithms are not available or were not evaluated, and the functional significance of this variant is currently unknown. In summary, the available evidence is currently insufficient to determine the role of this variant in disease. Therefore, it has been classified as a Variant of Uncertain Significance.

GeneDx
Classification: Uncertain significance. Last evaluated: 2019-11-14. Review status: criteria provided, single submitter. Criteria: GeneDx Variant Classification Process June 2021. Collection method: clinical testing. Allele origin: germline. Affected: yes.
Comment: In silico analysis, which includes protein predictors and evolutionary conservation, supports a deleterious effect; Previously reported as a variant of uncertain significance in an individual with temporal frontal lobe epilepsy and in an unaffected sibling (Tsai et al., 2017); This variant is associated with the following publications: (PMID: 30093711, 28170089)

Literature cited by the submitters: PubMed 28170089 (cited by Labcorp Genetics (formerly Invitae), Labcorp).